The following is an entry in ClinVar:

NM_025233.7(COASY):c.820G>A (p.Gly274Arg)

Gene: COASY (Coenzyme A synthase; plus strand). Cytogenetic location: 17q21.2.
Variant type: single nucleotide variant.
Coding change: c.820G>A on transcript NM_025233.7 (MANE Select); coding-DNA position 820, G replaced by A.
Protein change: p.Gly274Arg; replaces glycine 274 with arginine.
Molecular consequence: missense variant.
Genome position (GRCh38, 1-based): chr17:42,564,080, G>A. VCF-style: chr17-42564080-G-A. GRCh37 (hg19) VCF-style: chr17-40716098-G-A.
Other names: c.820G>A, p.Gly274Arg (NM_001042529.3); c.907G>A, p.Gly303Arg (NM_001042532.4); short protein forms G274R, G303R.
Identifiers: ClinVar variation 3147010 (VCV003147010.1), dbSNP rs745350501, ClinGen allele CA290771413.
Genomic context (GRCh38, chr17:42,564,080, plus strand): 5'-TTCCTGGTGGACATCAAGCCCTCCTTGACTTTTGATGTCATCCCCCTGCTGGACCCCTAT[G>A]GGCCCGCTGGCTCTGACCCCTCCCTGGAGTTCCTGGTGGTCAGCGAGGAGACCTATCGTG-3'
Protein context (NP_079509.5, residues 264-284): FDVIPLLDPY[Gly274Arg]PAGSDPSLEF

ClinVar aggregate classification (germline): Uncertain significance (1 of 4 stars; one submission).

Allele frequency attached by ClinVar (database versions not stated): gnomAD 0.00001; TOPMed 0.00002; gnomAD exomes 0.00004.

Submission:

Ambry Genetics
Classification: Uncertain significance. Last evaluated: 2020-11-04. Review status: criteria provided, single submitter. Criteria: Ambry Variant Classification Scheme 2023. Collection method: clinical testing. Allele origin: germline.
Comment: The c.907G>A (p.G303R) alteration is located in exon 4 (coding exon 3) of the COASY gene. This alteration results from a G to A substitution at nucleotide position 907, causing the glycine (G) at amino acid position 303 to be replaced by an arginine (R). Based on data from the Genome Aggregation Database (gnomAD) database, the COASY c.907G>A alteration was observed in 0.0008% (2/251326) of total alleles studied. This amino acid position is highly conserved in available vertebrate species. The p.G303R alteration is predicted to be deleterious by in silico analysis. Based on insufficient or conflicting evidence, the clinical significance of this alteration remains unclear.